The following is an entry in ClinVar:

ClinVar aggregate classification (germline): Uncertain significance. Review status: criteria provided, multiple submitters, no conflicts (2 of 4 stars). 2 submissions from 2 submitters: Uncertain significance (2). Last evaluated 2024-10-30.

Conditions:
Gorlin syndrome. Also called: Nevoid Basal Cell Carcinoma Syndrome; Basal cell nevus syndrome. Identifiers: Orphanet 377, MedGen C0004779, MONDO:0007187.
Hereditary cancer-predisposing syndrome. Also called: Neoplastic Syndromes, Hereditary; Hereditary neoplastic syndrome; Tumor predisposition; Hereditary Cancer Syndrome. Identifiers: Orphanet 140162, MedGen C0027672, MeSH D009386, MONDO:0015356.

Submissions (2):

Ambry Genetics
Classification: Uncertain significance for Hereditary cancer-predisposing syndrome. Last evaluated: 2024-10-30. Review status: criteria provided, single submitter. Criteria: Ambry Variant Classification Scheme 2023. Collection method: clinical testing. Allele origin: germline.
Comment: The p.T1195I variant (also known as c.3584C>T), located in coding exon 22 of the PTCH1 gene, results from a C to T substitution at nucleotide position 3584. The threonine at codon 1195 is replaced by isoleucine, an amino acid with similar properties. This amino acid position is well conserved in available vertebrate species. In addition, the in silico prediction for this alteration is inconclusive. Based on the available evidence, the clinical significance of this variant remains unclear.

Labcorp Genetics (formerly Invitae), Labcorp
Classification: Uncertain significance for Gorlin syndrome. Last evaluated: 2024-10-21. Review status: criteria provided, single submitter. Criteria: Invitae Variant Classification Sherloc (09022015). Collection method: clinical testing. Allele origin: germline.
Comment: This sequence change replaces threonine, which is neutral and polar, with isoleucine, which is neutral and non-polar, at codon 1195 of the PTCH1 protein (p.Thr1195Ile). This variant is not present in population databases (gnomAD no frequency). This variant has not been reported in the literature in individuals affected with PTCH1-related conditions. ClinVar contains an entry for this variant (Variation ID: 663138). Invitae Evidence Modeling of protein sequence and biophysical properties (such as structural, functional, and spatial information, amino acid conservation, physicochemical variation, residue mobility, and thermodynamic stability) has been performed for this missense variant. However, the output from this modeling did not meet the statistical confidence thresholds required to predict the impact of this variant on PTCH1 protein function. In summary, the available evidence is currently insufficient to determine the role of this variant in disease. Therefore, it has been classified as a Variant of Uncertain Significance.

NM_000264.5(PTCH1):c.3584C>T (p.Thr1195Ile)

Gene: PTCH1 (patched 1; minus strand). Cytogenetic location: 9q22.32.
Variant type: single nucleotide variant.
Coding change: c.3584C>T on transcript NM_000264.5 (MANE Select); coding-DNA position 3584, C replaced by T.
Protein change: p.Thr1195Ile; replaces threonine 1195 with isoleucine.
Molecular consequence: missense variant. On other transcripts: non-coding transcript variant (1).
Genome position (GRCh38, 1-based): chr9:95,449,289, G>A on the plus strand (C>T on the coding strand, the complement: PTCH1 is on the minus strand). VCF-style: chr9-95449289-G-A. GRCh37 (hg19) VCF-style: chr9-98211571-G-A.
Other names: c.3386C>T, p.Thr1129Ile (NM_001083602.3); c.3581C>T, p.Thr1194Ile (NM_001083603.3); c.3131C>T, p.Thr1044Ile (NM_001083604.3, NM_001083605.3, NM_001083606.3 and 1 more transcripts); c.3428C>T, p.Thr1143Ile (NM_001354918.2); short protein forms T1044I, T1195I, T1143I, T1129I, T1194I.
Identifiers: ClinVar variation 663138 (VCV000663138.10), dbSNP rs1588517836, ClinGen allele CA374111351.